The following is an entry in ClinVar:

ClinVar aggregate classification (germline): Uncertain significance (1 of 4 stars; one submission).

Conditions:
Hereditary cancer-predisposing syndrome. Also called: Hereditary Cancer Syndrome; Neoplastic Syndromes, Hereditary; Tumor predisposition; Hereditary neoplastic syndrome. Identifiers: Orphanet 140162, MedGen C0027672, MeSH D009386, MONDO:0015356.

Submission:

Ambry Genetics
Classification: Uncertain significance for Hereditary cancer-predisposing syndrome. Last evaluated: 2022-07-12. Review status: criteria provided, single submitter. Criteria: Ambry Variant Classification Scheme 2023. Collection method: clinical testing. Allele origin: germline.
Comment: The p.K173R variant (also known as c.518A>G), located in coding exon 5 of the NBN gene, results from an A to G substitution at nucleotide position 518. The lysine at codon 173 is replaced by arginine, an amino acid with highly similar properties. This amino acid position is conserved. In addition, the in silico prediction for this alteration is inconclusive. Since supporting evidence is limited at this time, the clinical significance of this alteration remains unclear.

NM_002485.5(NBN):c.518A>G (p.Lys173Arg)

Gene: NBN (nibrin; minus strand). Cytogenetic location: 8q21.3.
Variant type: single nucleotide variant.
Coding change: c.518A>G on transcript NM_002485.5 (MANE Select); coding-DNA position 518, A replaced by G.
Protein change: p.Lys173Arg; replaces lysine 173 with arginine.
Molecular consequence: missense variant.
Genome position (GRCh38, 1-based): chr8:89,978,286, T>C on the plus strand (A>G on the coding strand, the complement: NBN is on the minus strand). VCF-style: chr8-89978286-T-C. GRCh37 (hg19) VCF-style: chr8-90990514-T-C.
Other names: c.272A>G, p.Lys91Arg (NM_001024688.3); short protein forms K91R, K173R.
Identifiers: ClinVar variation 1745899 (VCV001745899.2), dbSNP rs2488344118, ClinGen allele CA371660362.